The following is an entry in ClinVar:

NM_024513.4(FYCO1):c.4270C>T (p.Arg1424Ter)

Gene: FYCO1 (FYVE and coiled-coil domain autophagy adaptor 1; minus strand). Cytogenetic location: 3p21.31.
Variant type: single nucleotide variant.
Coding change: c.4270C>T on transcript NM_024513.4 (MANE Select); coding-DNA position 4270, C replaced by T.
Protein change: p.Arg1424Ter; replaces arginine 1424 with a stop codon.
Molecular consequence: nonsense. On other transcripts: non-coding transcript variant (1), intron variant (1).
Genome position (GRCh38, 1-based): chr3:45,923,747, G>A on the plus strand (C>T on the coding strand, the complement: FYCO1 is on the minus strand). VCF-style: chr3-45923747-G-A. GRCh37 (hg19) VCF-style: chr3-45965239-G-A.
Other names: c.4270C>T, p.Arg1424Ter (NM_001386421.1, NM_001386422.1, NM_001386425.1); c.4267C>T, p.Arg1423Ter (NM_001386423.1); c.4150C>T, p.Arg1384Ter (NM_001386426.1); c.4126C>T, p.Arg1376Ter (NM_001386427.1); c.3670C>T, p.Arg1224Ter (NM_001386430.1); c.4252-4682C>T (NM_001386429.1); c.4270C>T (NM_024513.2); short protein forms R1224*, R1376*, R1384*, R1423*, R1424*.
Identifiers: ClinVar variation 3029278 (VCV003029278.3), dbSNP rs749045427, ClinGen allele CA2352343.
Genomic context (GRCh38, chr3:45,923,747, plus strand): 5'-AGATGCCGGGTGTGCGAACCTTGAGCTGGCCCTGGATGTTCTCCTTGTGGGAGTTGCATC[G>A]GGTCGTGGGAATGAGGACCTGGGAGGGAAAGCAGGTAGGCAAAAACATCACAGAGGCTGA-3'

ClinVar aggregate classification (germline): Pathogenic. Review status: criteria provided, single submitter (1 of 4 stars). 2 submissions from 2 submitters: Pathogenic (1). 1 of the submissions does not count toward it. Last evaluated 2024-07-10.

Conditions:
Inborn genetic diseases. Identifiers: MedGen C0950123, MeSH D030342.
FYCO1-related disorder. Also called: FYCO1-related condition.

Allele frequency attached by ClinVar (database versions not stated): ExAC 0.00001; gnomAD 0.00001; gnomAD exomes 0.00001.
gnomAD v4.1: 12 of 1,613,810 alleles (0.00074%); highest among the groups gnomAD compares: South Asian, 0.0011%; no homozygotes.

Submissions (2):

Ambry Genetics
Classification: Pathogenic for Inborn genetic diseases. Last evaluated: 2024-07-10. Review status: criteria provided, single submitter. Criteria: Ambry Variant Classification Scheme 2023. Collection method: clinical testing. Allele origin: germline.
Comment: The c.4270C>T (p.R1424*) alteration, located in exon 17 (coding exon 16) of the FYCO1 gene, consists of a C to T substitution at nucleotide position 4270. This changes the amino acid from an arginine (R) to a stop codon at amino acid position 1424. This alteration is expected to result in loss of function by premature protein truncation or nonsense-mediated mRNA decay. Based on data from gnomAD, the T allele has an overall frequency of 0.001% (2/251476) total alleles studied. This variant segregates with disease in a family with congenital cataracts (Iqbal, 2020). Based on the available evidence, this alteration is classified as pathogenic.

PreventionGenetics, part of Exact Sciences
Classification: Pathogenic for FYCO1-related condition. Last evaluated: 2024-01-19. Review status: no assertion criteria provided. Collection method: clinical testing. Allele origin: germline. Not counted in ClinVar's aggregate classification.
Comment: The FYCO1 c.4270C>T variant is predicted to result in premature protein termination (p.Arg1424*). This variant was reported in the homozygous state in multiple members of a family presenting with congenital cataracts (Family PKCC193 in Iqbal et al. 2020. PubMed ID: 32355443). This variant is reported in 0.00088% of alleles in individuals of European (Non-Finnish) descent in gnomAD. Nonsense variants in FYCO1 are expected to be pathogenic. This variant is interpreted as pathogenic.

Literature cited by the submitters: PubMed 32355443 (cited by Ambry Genetics).